The following is an entry in ClinVar:

ClinVar aggregate classification (germline): Likely benign (1 of 4 stars; one submission).

Conditions:
Long QT syndrome (LQTS). Identifiers: MedGen C0023976, MeSH D008133, MONDO:0002442. Disease mechanism: loss of function. Inheritance: Various modes of inheritance.

Submission:

All of Us Research Program, National Institutes of Health
Classification: Likely benign for Long QT syndrome. Last evaluated: 2024-07-29. Review status: criteria provided, single submitter. Criteria: ACMG Guidelines, 2015. Collection method: clinical testing. Allele origin: germline. Inheritance: Autosomal dominant inheritance. Observed: 2 variant alleles, 2 heterozygotes.
Comment: This study involves interpretation of variants in research participants for the purpose of population health screening. Participant phenotype was not available at the time of variant classification. Additional details can be found in publication PMID: 35346344, PMCID: PMC8962531

NM_000238.4(KCNH2):c.942C>A (p.Gly314=)

Gene: KCNH2 (potassium voltage-gated channel subfamily H member 2; minus strand). Cytogenetic location: 7q36.1.
Variant type: single nucleotide variant.
Coding change: c.942C>A on transcript NM_000238.4 (MANE Select); coding-DNA position 942, C replaced by A.
Protein change: p.Gly314=; no amino-acid change (glycine 314 retained).
Molecular consequence: synonymous variant. On other transcripts: non-coding transcript variant (1).
Genome position (GRCh38, 1-based): chr7:150,957,477, G>T on the plus strand (C>A on the coding strand, the complement: KCNH2 is on the minus strand). VCF-style: chr7-150957477-G-T. GRCh37 (hg19) VCF-style: chr7-150654565-G-T.
Other names: c.654C>A, p.Gly218= (NM_001406753.1, NM_001406756.1); c.765C>A, p.Gly255= (NM_001406755.1); c.642C>A, p.Gly214= (NM_001406757.1); c.942C>A, p.Gly314= (NM_172056.3).
Identifiers: ClinVar variation 3386909 (VCV003386909.1).